The following is an entry in ClinVar:

NM_014786.4(ARHGEF17):c.5110G>A (p.Gly1704Ser)

Gene: ARHGEF17 (Rho guanine nucleotide exchange factor 17; plus strand). Cytogenetic location: 11q13.4.
Variant type: single nucleotide variant.
Coding change: c.5110G>A on transcript NM_014786.4 (MANE Select); coding-DNA position 5110, G replaced by A.
Protein change: p.Gly1704Ser; replaces glycine 1704 with serine.
Molecular consequence: missense variant.
Genome position (GRCh38, 1-based): chr11:73,363,319, G>A. VCF-style: chr11-73363319-G-A. GRCh37 (hg19) VCF-style: chr11-73074364-G-A.
Other names: NC_000011.9:g.73074364G>A; short protein forms G1704S.
Identifiers: ClinVar variation 3770491 (VCV003770491.14).
Genomic context (GRCh38, chr11:73,363,319, plus strand): 5'-GAGGAGCAGGAGCCAGGCTTCCTGCCACTGTCTGGCTCCTTTGGGCCTGGTGGTCCCTGC[G>A]GCACCAGCCCAATGGATGGGAGAGCCCTTCGCCGCTCCAGCCACGGCTCCTTCACCCGGG-3'
Protein context (NP_055601.2, residues 1694-1714): SGSFGPGGPC[Gly1704Ser]TSPMDGRALR

ClinVar aggregate classification (germline): Likely benign (1 of 4 stars; one submission).

gnomAD v4.1: 3,434 of 1,612,720 alleles (0.21%); highest among the groups gnomAD compares: Non-Finnish European, 0.27%; 2 homozygotes.

Submissions (5):

CeGaT Center for Human Genetics Tuebingen
Classification: Likely benign. Last evaluated: 2025-01-01. Review status: criteria provided, single submitter. Criteria: CeGaT Center For Human Genetics Tuebingen Variant Classification Criteria Version 2. Collection method: clinical testing. Allele origin: germline. Affected: yes. Observed: 1 variant allele.
Comment: ARHGEF17: BP4, BS2

Dr. Peter K. Rogan Lab, Western University
No classification provided (evidence only). Condition: Familial cancer of breast. Review status: no classification provided. Collection method: in vitro. Allele origin: not applicable. Functional consequence: retained intron. Not counted in ClinVar's aggregate classification.

Dr. Peter K. Rogan Lab, Western University
No classification provided (evidence only). Condition: Cervical cancer. Review status: no classification provided. Collection method: in vitro. Allele origin: not applicable. Functional consequence: retained intron. Not counted in ClinVar's aggregate classification.

Dr. Peter K. Rogan Lab, Western University
No classification provided (evidence only). Condition: Sarcoma. Review status: no classification provided. Collection method: in vitro. Allele origin: not applicable. Functional consequence: retained intron. Not counted in ClinVar's aggregate classification.

Dr. Peter K. Rogan Lab, Western University
No classification provided (evidence only). Condition: Ovarian serous cystadenocarcinoma. Review status: no classification provided. Collection method: in vitro. Allele origin: not applicable. Functional consequence: retained intron. Not counted in ClinVar's aggregate classification.